The following is an entry in ClinVar:

ClinVar aggregate classification (germline): Pathogenic/Likely pathogenic. Review status: criteria provided, multiple submitters, no conflicts (2 of 4 stars). 6 submissions from 6 submitters: Pathogenic (2); Likely pathogenic (2). 2 of the submissions do not count toward it. Last evaluated 2026-01-20.

Conditions:
Jeune thoracic dystrophy. Also called: Jeune syndrome; Infantile thoracic dystrophy; Thoracic pelvic phalangeal dystrophy; Jeune's syndrome; Chondroectodermal dysplasia-like syndrome; Short-rib thoracic dysplasia. Identifiers: Orphanet 474, MedGen C0265275, MONDO:0018770.
Spermatogenic failure 72 (SPGF72). Identifiers: MedGen C5676980, MONDO:0030809, OMIM 619867.
Senior-Loken syndrome 8 (SLSN8). Identifiers: Orphanet 3156, MedGen C4225376, MONDO:0014579, OMIM 616307.
Asphyxiating thoracic dystrophy 5 (SRTD5). Also called: SHORT-RIB THORACIC DYSPLASIA 5 WITH OR WITHOUT POLYDACTYLY; SHORT-RIB THORACIC DYSPLASIA 5 WITHOUT POLYDACTYLY. Identifiers: Orphanet 474, MedGen C3280598, MONDO:0013717, OMIM 614376.
Nephronophthisis 13 (NPHP13). Identifiers: Orphanet 655, MedGen C3280612, MONDO:0013718, OMIM 614377.
Cranioectodermal dysplasia 4 (CED4). Identifiers: Orphanet 1515, MedGen C3280616, MONDO:0013719, OMIM 614378.
WDR19-related disorder. Also called: WDR19-related condition; WDR19-related disorders. Identifiers: MedGen CN380161.
Ciliopathy. Also called: Ciliopathies. Identifiers: Orphanet 363250, MedGen C4277690, MONDO:0005308, MeSH D000072661.

Allele frequency attached by ClinVar (database versions not stated): ExAC 0.00002; gnomAD exomes 0.00002 and 0.00012; gnomAD 0.00003 and 0.00004; TOPMed 0.00004; ESP Exome Variant Server 0.00008.
gnomAD v4.1: 178 of 1,612,068 alleles (0.011%); highest among the groups gnomAD compares: Non-Finnish European, 0.015%; no homozygotes.

Submissions (6):

Victorian Clinical Genetics Services, Murdoch Childrens Research Institute
Classification: Likely pathogenic for Ciliopathy. Last evaluated: 2026-01-20. Review status: criteria provided, single submitter. Criteria: ACMG Guidelines, 2015. Collection method: clinical testing. Allele origin: germline. Affected: yes.
Comment: This variant is classified as Likely pathogenic. Evidence in support of pathogenic classification: Variant is present in gnomAD <0.01 for a recessive condition (v4: 178 heterozygote(s), 0 homozygote(s)); This variant has strong previous evidence of pathogenicity in unrelated individuals. This variant has been classified once each as pathogenic and as a VUS by a clinical laboratory in ClinVar, and reported in the literature in five heterozygous individuals with asphyxiating thoracic dystrophy, end-stage renal disease, a dysplastic kidney or short-rib thoracic dysplasia. In all but one individual, a second variant was confirmed to be in trans (PMID: 29068549, PMID: 36653407, PMID: 35368817, PMID: 35372954). Evidence in support of benign classification: Missense variant predicted to be tolerated by in silico tool(s) or not conserved in placental mammals with a minor amino acid change. Additional information: Variant is predicted to result in a missense amino acid change from Asn to Asp; This variant is heterozygous; This gene is associated with autosomal recessive disease; No published evidence of segregation with disease has been identified for this variant; No published functional evidence has been identified for this variant; No comparable missense variants have previous evidence for pathogenicity; Variant is located in the annotated WDR19 first beta-propeller domain (DECIPHER); Loss of function is a known mechanism of disease in this gene and is associated with a syndromic spectrum of ciliopathy disorders including cranioectodermal dysplasia 4 (MIM#614378), nephronophthisis 13 (MIM#614377), Senior-Loken syndrome 8 (MIM#616307) and short-rib thoracic dysplasia 5 with or without polydactyly (MIM#614376); Inheritance information for this variant is not currently available in this individual.

Labcorp Genetics (formerly Invitae), Labcorp
Classification: Pathogenic for Senior-Loken syndrome 8; Asphyxiating thoracic dystrophy 5. Last evaluated: 2025-06-03. Review status: criteria provided, single submitter. Criteria: Invitae Variant Classification Sherloc (09022015). Collection method: clinical testing. Allele origin: germline.
Comment: This sequence change replaces asparagine, which is neutral and polar, with aspartic acid, which is acidic and polar, at codon 273 of the WDR19 protein (p.Asn273Asp). This variant is present in population databases (rs375644378, gnomAD 0.004%). This missense change has been observed in individual(s) with WDR19-related conditions (PMID: 29068549, 34716235, 35368817, 35372954, 36653407). In at least one individual the data is consistent with being in trans (on the opposite chromosome) from a pathogenic variant. ClinVar contains an entry for this variant (Variation ID: 446633). Invitae Evidence Modeling of protein sequence and biophysical properties (such as structural, functional, and spatial information, amino acid conservation, physicochemical variation, residue mobility, and thermodynamic stability) indicates that this missense variant is not expected to disrupt WDR19 protein function with a negative predictive value of 80%. For these reasons, this variant has been classified as Pathogenic.

Fulgent Genetics
Classification: Pathogenic for Asphyxiating thoracic dystrophy 5; Nephronophthisis 13; Cranioectodermal dysplasia 4; Senior-Loken syndrome 8; Spermatogenic failure 72. Last evaluated: 2024-05-11. Review status: criteria provided, single submitter. Criteria: ACMG Guidelines, 2015. Collection method: clinical testing. Allele origin: germline.

Blueprint Genetics
Classification: Likely pathogenic for WDR19-related disorders. Last evaluated: 2024-04-24. Review status: criteria provided, single submitter. Criteria: ACMG Guidelines, 2015. Collection method: clinical testing. Allele origin: germline. Affected: yes. Observed: 5 variant alleles.

Dan Cohn Lab, University Of California Los Angeles
Classification: Pathogenic for Asphyxiating thoracic dystrophy. Last evaluated: 2017-06-01. Review status: no assertion criteria provided. Collection method: research. Allele origin: unknown, paternal. Affected: yes. Not counted in ClinVar's aggregate classification.

University of Washington Center for Mendelian Genomics, University of Washington
Classification: Likely pathogenic for asphyxiating thoracic dystrophy. Review status: no assertion criteria provided. Collection method: research. Allele origin: inherited. Affected: yes. Not counted in ClinVar's aggregate classification.

Literature cited by the submitters: PubMed 35372954 (cited by Victorian Clinical Genetics Services, Murdoch Childrens Research Institute and Labcorp Genetics (formerly Invitae), Labcorp); PubMed 29068549 (cited by 4 submitters); PubMed 36653407 (cited by Victorian Clinical Genetics Services, Murdoch Childrens Research Institute and Labcorp Genetics (formerly Invitae), Labcorp); PubMed 35368817 (cited by Victorian Clinical Genetics Services, Murdoch Childrens Research Institute and Labcorp Genetics (formerly Invitae), Labcorp); PubMed 34716235 (cited by Labcorp Genetics (formerly Invitae), Labcorp).

NM_025132.4(WDR19):c.817A>G (p.Asn273Asp)

Gene: WDR19 (WD repeat domain 19; plus strand). Cytogenetic location: 4p14.
Variant type: single nucleotide variant.
Coding change: c.817A>G on transcript NM_025132.4 (MANE Select); coding-DNA position 817, A replaced by G.
Protein change: p.Asn273Asp; replaces asparagine 273 with aspartic acid.
Molecular consequence: missense variant.
Genome position (GRCh38, 1-based): chr4:39,205,663, A>G. VCF-style: chr4-39205663-A-G. GRCh37 (hg19) VCF-style: chr4-39207283-A-G.
Other names: c.337A>G, p.Asn113Asp (NM_001317924.2); short protein forms N273D, N113D.
Identifiers: ClinVar variation 446633 (VCV000446633.12), dbSNP rs375644378, ClinGen allele CA2891712.
Genomic context (GRCh38, chr4:39,205,663, plus strand): 5'-CATTTTGTGGTCATTTCTACTCATACTGGAGAGCTTGGTCAAGAGATATTTCAGGCTCGT[A>G]ACCATAAAGATAATCTAACCAGCATTGCAGTATCACAGACTCTTAACAAAGTTGCTACAT-3'
Protein context (NP_079408.3, residues 263-283): ELGQEIFQAR[Asn273Asp]HKDNLTSIAV